The following is an entry in ClinVar:

NM_032578.4(MYPN):c.242T>C (p.Leu81Pro)

Gene: MYPN (myopalladin; plus strand). Cytogenetic location: 10q21.3.
Variant type: single nucleotide variant.
Coding change: c.242T>C on transcript NM_032578.4 (MANE Select); coding-DNA position 242, T replaced by C.
Protein change: p.Leu81Pro; replaces leucine 81 with proline.
Molecular consequence: missense variant. On other transcripts: 5 prime UTR variant (1), non-coding transcript variant (1).
Genome position (GRCh38, 1-based): chr10:68,121,680, T>C. VCF-style: chr10-68121680-T-C. GRCh37 (hg19) VCF-style: chr10-69881437-T-C.
Other names: c.242T>C, p.Leu81Pro (NM_001256267.2); c.-881T>C (NM_001256268.2); short protein forms L81P.
Identifiers: ClinVar variation 1979436 (VCV001979436.4), dbSNP rs2042244797, ClinGen allele CA377103911.

ClinVar aggregate classification (germline): Uncertain significance (1 of 4 stars; one submission).

Conditions:
Dilated cardiomyopathy 1KK (CMD1KK). Identifiers: Orphanet 154, Orphanet 75249, MedGen C3714995, MONDO:0014100, OMIM 615248.

Allele frequency attached by ClinVar (database versions not stated): TOPMed below 0.00001.

Submission:

Labcorp Genetics (formerly Invitae), Labcorp
Classification: Uncertain significance for Dilated cardiomyopathy 1KK. Last evaluated: 2022-03-11. Review status: criteria provided, single submitter. Criteria: Invitae Variant Classification Sherloc (09022015). Collection method: clinical testing. Allele origin: germline.
Comment: This sequence change replaces leucine, which is neutral and non-polar, with proline, which is neutral and non-polar, at codon 81 of the MYPN protein (p.Leu81Pro). This variant is not present in population databases (gnomAD no frequency). This variant has not been reported in the literature in individuals affected with MYPN-related conditions. Algorithms developed to predict the effect of missense changes on protein structure and function are either unavailable or do not agree on the potential impact of this missense change (SIFT: "Deleterious"; PolyPhen-2: "Possibly Damaging"; Align-GVGD: "Class C0"). In summary, the available evidence is currently insufficient to determine the role of this variant in disease. Therefore, it has been classified as a Variant of Uncertain Significance.